The following is an entry in ClinVar:

ClinVar aggregate classification (germline): Pathogenic/Likely pathogenic. Review status: criteria provided, multiple submitters, no conflicts (2 of 4 stars). 2 submissions from 2 submitters: Pathogenic (1); Likely pathogenic (1). Last evaluated 2024-10-04.

Conditions:
Arrhythmogenic cardiomyopathy with wooly hair and keratoderma. Also called: Carvajal syndrome; Dilated cardiomyopathy with woolly hair and keratoderma; Arrhythmogenic cardiomyopathy with woolly hair and keratoderma; PALMOPLANTAR KERATODERMA WITH LEFT VENTRICULAR CARDIOMYOPATHY AND WOOLLY HAIR. Identifiers: Orphanet 65282, MedGen C1854063, MONDO:0011581, OMIM 605676.
Arrhythmogenic right ventricular dysplasia 8 (ARVD8). Also called: Arrhythmogenic Right Ventricular Dysplasia/Cardiomyopathy 8; ARRHYTHMOGENIC RIGHT VENTRICULAR CARDIOMYOPATHY 8; ARRHYTHMOGENIC RIGHT VENTRICULAR DYSPLASIA, FAMILIAL, 8. Identifiers: MedGen C1843896, MONDO:0011831, OMIM 607450.

Submissions (2):

Labcorp Genetics (formerly Invitae), Labcorp
Classification: Pathogenic for Arrhythmogenic cardiomyopathy with wooly hair and keratoderma; Arrhythmogenic right ventricular dysplasia 8. Last evaluated: 2024-10-04. Review status: criteria provided, single submitter. Criteria: Invitae Variant Classification Sherloc (09022015). Collection method: clinical testing. Allele origin: germline.
Comment: This sequence change creates a premature translational stop signal (p.Glu2313Argfs*42) in the DSP gene. While this is not anticipated to result in nonsense mediated decay, it is expected to disrupt the last 559 amino acid(s) of the DSP protein. This variant is not present in population databases (gnomAD no frequency). This premature translational stop signal has been observed in individual(s) with arrhythmogenic right ventricular cardiomyopathy (PMID: 31386562). ClinVar contains an entry for this variant (Variation ID: 199922). This variant disrupts a region of the DSP protein in which other variant(s) (p.Glu2728Glyfs*11) have been determined to be pathogenic (internal data). This suggests that this is a clinically significant region of the protein, and that variants that disrupt it are likely to be disease-causing. For these reasons, this variant has been classified as Pathogenic.

GeneDx
Classification: Likely pathogenic. Last evaluated: 2020-08-05. Review status: criteria provided, single submitter. Criteria: GeneDx Variant Classification Process June 2021. Collection method: clinical testing. Allele origin: germline. Affected: yes.
Comment: Frameshift variant predicted to result in protein truncation in a gene for which loss-of-function is a known mechanism of disease; Not observed in large population cohorts (Lek et al., 2016); This variant is associated with the following publications: (PMID: 31386562)

Literature cited by the submitters: PubMed 31386562 (cited by Labcorp Genetics (formerly Invitae), Labcorp).

NM_004415.4(DSP):c.6937del (p.Glu2313fs)

Gene: DSP (desmoplakin; plus strand). Cytogenetic location: 6p24.3.
Variant type: Deletion.
Coding change: c.6937del on transcript NM_004415.4 (MANE Select); coding-DNA position 6937, one base deleted (G; older notation c.6937delG).
Protein change: p.Glu2313fs; shifts the reading frame from glutamic acid 2313.
Molecular consequence: frameshift variant.
Genome position (GRCh38, 1-based): chr6:7,584,199, G deleted; the last of 2 consecutive G bases (chr6:7,584,198-7,584,199); deleting either gives the same sequence. VCF-style (leftmost placement, unchanged base first): chr6-7584197-TG-T. GRCh37 (hg19) VCF-style: chr6-7584430-TG-T.
Other names: c.6937del (LRG_423t1); c.5140del, p.Glu1714fs (NM_001008844.3); c.5608del, p.Glu1870fs (NM_001319034.2); c.6937delG (NM_004415.2); short protein forms E2313fs, E1870fs, E1714fs.
Identifiers: ClinVar variation 199922 (VCV000199922.11), dbSNP rs794728143, ClinGen allele CA007091.